The following is an entry in ClinVar:

NM_000138.5(FBN1):c.2114-2A>G

Gene: FBN1 (fibrillin 1; minus strand). Cytogenetic location: 15q21.1.
Variant type: single nucleotide variant.
Coding change: c.2114-2A>G on transcript NM_000138.5 (MANE Select); the canonical splice acceptor site of the intron before coding-DNA position 2114, A replaced by G.
Molecular consequence: splice acceptor variant.
Genome position (GRCh38, 1-based): chr15:48,499,040, T>C on the plus strand (A>G on the coding strand, the complement: FBN1 is on the minus strand). VCF-style: chr15-48499040-T-C. GRCh37 (hg19) VCF-style: chr15-48791237-T-C.
Other names: c.2114-2A>G (NM_001406716.1).
Identifiers: ClinVar variation 684826 (VCV000684826.3), dbSNP rs886041440, ClinGen allele CA392336489.
Genomic context (GRCh38, chr15:48,499,040, plus strand): 5'-CTTACCACTGCCTGCTGACGTCATTCCTGGCCCACTGCTGCAGAGTGCCTGATATTCCGC[T>C]GCAATAAATTAACAGATAGTAAATGATTCCCTTGTTTGCAGAACAGGTAGATCCTGCCCT-3'

ClinVar aggregate classification (germline): Likely pathogenic (1 of 4 stars; one submission).

Conditions:
Cardiovascular phenotype. Identifiers: MedGen CN230736.

Submission:

Molecular Diagnostic Laboratory for Inherited Cardiovascular Disease, Montreal Heart Institute
Classification: Likely pathogenic for Cardiovascular phenotype. Last evaluated: 2025-06-04. Review status: criteria provided, single submitter. Criteria: ACMG Guidelines, 2015. Collection method: clinical testing. Allele origin: germline. Affected: yes.
Comment: PVS1_strong, PM2, PS4_supp, PP1, PP4